The following is an entry in ClinVar:

NM_198578.4(LRRK2):c.4556T>C (p.Val1519Ala)

Gene: LRRK2 (leucine rich repeat kinase 2; plus strand). Cytogenetic location: 12q12.
Variant type: single nucleotide variant.
Coding change: c.4556T>C on transcript NM_198578.4 (MANE Select); coding-DNA position 4556, T replaced by C.
Protein change: p.Val1519Ala; replaces valine 1519 with alanine.
Molecular consequence: missense variant.
Genome position (GRCh38, 1-based): chr12:40,313,991, T>C. VCF-style: chr12-40313991-T-C. GRCh37 (hg19) VCF-style: chr12-40707793-T-C.
Other names: short protein forms V1519A.
Identifiers: ClinVar variation 3229662 (VCV003229662.1), dbSNP rs2499845547, ClinGen allele CA384418775.

ClinVar aggregate classification (germline): Uncertain significance (1 of 4 stars; one submission).

Conditions:
Inborn genetic diseases. Identifiers: MedGen C0950123, MeSH D030342.

Submission:

Ambry Genetics
Classification: Uncertain significance for Inborn genetic diseases. Last evaluated: 2023-09-18. Review status: criteria provided, single submitter. Criteria: Ambry Variant Classification Scheme 2023. Collection method: clinical testing. Allele origin: germline.
Comment: The p.V1519A variant (also known as c.4556T>C), located in coding exon 32 of the LRRK2 gene, results from a T to C substitution at nucleotide position 4556. The valine at codon 1519 is replaced by alanine, an amino acid with similar properties. This amino acid position is conserved. In addition, the in silico prediction for this alteration is inconclusive. Since supporting evidence is limited at this time, the clinical significance of this alteration remains unclear.